The following is an entry in ClinVar:

NM_025137.4(SPG11):c.2737C>T (p.Gln913Ter)

Gene: SPG11 (SPG11 vesicle trafficking associated, spatacsin; minus strand). Cytogenetic location: 15q21.1.
Variant type: single nucleotide variant.
Coding change: c.2737C>T on transcript NM_025137.4 (MANE Select); coding-DNA position 2737, C replaced by T.
Protein change: p.Gln913Ter; replaces glutamine 913 with a stop codon.
Molecular consequence: nonsense.
Genome position (GRCh38, 1-based): chr15:44,620,287, G>A on the plus strand (C>T on the coding strand, the complement: SPG11 is on the minus strand). VCF-style: chr15-44620287-G-A. GRCh37 (hg19) VCF-style: chr15-44912485-G-A.
Other names: c.2737C>T, p.Gln913Ter (NM_001160227.2); short protein forms Q913*.
Identifiers: ClinVar variation 466515 (VCV000466515.6), dbSNP rs1555455246, ClinGen allele CA392230734.

ClinVar aggregate classification (germline): Pathogenic (1 of 4 stars; one submission).

Conditions:
Hereditary spastic paraplegia 11. Also called: SPASTIC PARAPLEGIA, AUTOSOMAL RECESSIVE, COMPLICATED, WITH THIN CORPUS CALLOSUM; SPASTIC PARAPLEGIA, AUTOSOMAL RECESSIVE, WITH MENTAL IMPAIRMENT AND THIN CORPUS CALLOSUM; Nakamura Osame syndrome; Autosomal recessive hereditary spastic paraplegia, mental impairment, and thin corpus callosum; Spastic paraplegia, mental retardation and thin corpus callosum; Spastic Paraplegia 11. Identifiers: Orphanet 2822, MedGen C1858479, MONDO:0011445, OMIM 604360.

Submission:

Labcorp Genetics (formerly Invitae), Labcorp
Classification: Pathogenic for Hereditary spastic paraplegia 11. Last evaluated: 2017-04-03. Review status: criteria provided, single submitter. Criteria: Invitae Variant Classification Sherloc (09022015). Collection method: clinical testing. Allele origin: germline.
Comment: This sequence change creates a premature translational stop signal at codon 913 (p.Gln913*) of the SPG11 gene. It is expected to result in an absent or disrupted protein product. For these reasons, this variant has been classified as Pathogenic. While this particular variant has not been reported in the literature, loss-of-function variants in SPG11 are known to be pathogenic (PMIDs: 18079167, 19105190, 26556829).